The following is an entry in ClinVar:

ClinVar aggregate classification (germline): Pathogenic (1 of 4 stars; one submission).

Conditions:
COG7 congenital disorder of glycosylation (CDG2E). Also called: CONGENITAL DISORDER OF GLYCOSYLATION, TYPE IIe; CDG IIe. Identifiers: Orphanet 79333, MedGen C2931010, MONDO:0012118, OMIM 608779.

Submission:

Labcorp Genetics (formerly Invitae), Labcorp
Classification: Pathogenic for COG7 congenital disorder of glycosylation. Last evaluated: 2025-03-18. Review status: criteria provided, single submitter. Criteria: Invitae Variant Classification Sherloc (09022015). Collection method: clinical testing. Allele origin: germline.
Comment: This sequence change creates a premature translational stop signal (p.Tyr223*) in the COG7 gene. It is expected to result in an absent or disrupted protein product. Loss-of-function variants in COG7 are known to be pathogenic (PMID: 21811164). This variant is not present in population databases (gnomAD no frequency). This variant has not been reported in the literature in individuals affected with COG7-related conditions. Algorithms developed to predict the effect of sequence changes on RNA splicing suggest that this variant may disrupt the consensus splice site. For these reasons, this variant has been classified as Pathogenic.

Literature cited by the submitters: PubMed 21811164.

NM_153603.4(COG7):c.669C>A (p.Tyr223Ter)

Gene: COG7 (component of oligomeric golgi complex 7; minus strand). Cytogenetic location: 16p12.2.
Variant type: single nucleotide variant.
Coding change: c.669C>A on transcript NM_153603.4 (MANE Select); coding-DNA position 669, C replaced by A.
Protein change: p.Tyr223Ter; replaces tyrosine 223 with a stop codon.
Molecular consequence: nonsense.
Genome position (GRCh38, 1-based): chr16:23,434,654, G>T on the plus strand (C>A on the coding strand, the complement: COG7 is on the minus strand). VCF-style: chr16-23434654-G-T. GRCh37 (hg19) VCF-style: chr16-23445975-G-T.
Other names: short protein forms Y223*.
Identifiers: ClinVar variation 4715337 (VCV004715337.1).
Genomic context (GRCh38, chr16:23,434,654, plus strand): 5'-CATTCCACAACTGCACAACTGTCATCGCGCACAGCTTCTTACCTTGTGACACTTGTAGTA[G>T]TAGGCCAGGAGCTGGGGCATCCGGTCAATTTCAGTAAACACCTTCACAAACACTTTGGAC-3'